The following is an entry in ClinVar:

NM_001164508.2(NEB):c.11986del (p.Ser3996fs)

Gene: NEB (nebulin; minus strand). Cytogenetic location: 2q23.3.
Variant type: Deletion.
Coding change: c.11986del on transcript NM_001164508.2 (MANE Select); coding-DNA position 11986, one base deleted (A; older notation c.11986delA).
Protein change: p.Ser3996fs; shifts the reading frame from serine 3996.
Molecular consequence: frameshift variant.
Genome position (GRCh38, 1-based): chr2:151,610,548, T deleted on the plus strand (A on the coding strand, the reverse complement: NEB is on the minus strand); the first of 4 consecutive T bases (chr2:151,610,548-151,610,551); deleting any one gives the same sequence. VCF-style (leftmost placement, unchanged base first): chr2-151610547-CT-C. GRCh37 (hg19) VCF-style: chr2-152467061-CT-C.
Other names: c.11986del, p.Ser3996fs (NM_001164507.2, NM_001271208.2); c.11257del, p.Ser3753fs (NM_004543.5); short protein forms S3753fs, S3996fs.
Identifiers: ClinVar variation 1725817 (VCV001725817.2), dbSNP rs2552227822, ClinGen allele CA2580064121.

ClinVar aggregate classification (germline): Likely pathogenic (1 of 4 stars; one submission).

Conditions:
Nemaline myopathy 2 (NEM2). Also called: Nemaline myopathy 2, autosomal recessive. Identifiers: MedGen C1850569, MONDO:0009725, OMIM 256030.

Submission:

Myriad Genetics, Inc.
Classification: Likely pathogenic for Nemaline myopathy 2. Last evaluated: 2022-04-01. Review status: criteria provided, single submitter. Criteria: Myriad Women's Health Autosomal Recessive and X-Linked Classification Criteria (2021). Collection method: clinical testing. Allele origin: unknown.
Comment: NM_001271208.1(NEB):c.11986delA(S3996Vfs*70) is expected to be pathogenic in the context of NEB-related nemaline myopathy. This variant is predicted to lead to an abnormal or absent protein product due to the creation of a premature termination codon in NEB, a gene where loss-of-function variants are known to be pathogenic. Please note: this variant was assessed in the context of healthy population screening.